The following is an entry in ClinVar:

ClinVar aggregate classification (germline): Uncertain significance (1 of 4 stars; one submission).

Submission:

GeneDx
Classification: Uncertain significance. Last evaluated: 2019-07-29. Review status: criteria provided, single submitter. Criteria: GeneDx Variant Classification Process June 2021. Collection method: clinical testing. Allele origin: germline. Affected: yes.
Comment: Not observed in large population cohorts (Lek et al., 2016); In silico analysis, which includes protein predictors and evolutionary conservation, supports a deleterious effect; In-silico analysis, which includes splice predictors, is inconclusive as to whether the variant alters gene splicing. In the absence of RNA/functional studies, the actual effect of this sequence change is unknown.; Has not been previously published as pathogenic or benign to our knowledge

NM_003801.4(GPAA1):c.1099C>G (p.Arg367Gly)

Gene: GPAA1 (glycosylphosphatidylinositol anchor attachment 1; plus strand). Cytogenetic location: 8q24.3.
Variant type: single nucleotide variant.
Coding change: c.1099C>G on transcript NM_003801.4 (MANE Select); coding-DNA position 1099, C replaced by G.
Protein change: p.Arg367Gly; replaces arginine 367 with glycine.
Molecular consequence: missense variant.
Genome position (GRCh38, 1-based): chr8:144,084,810, C>G. VCF-style: chr8-144084810-C-G. GRCh37 (hg19) VCF-style: chr8-145139713-C-G.
Other names: short protein forms R367G.
Identifiers: ClinVar variation 1307312 (VCV001307312.2), dbSNP rs1160454730, ClinGen allele CA372501199.